The following is an entry in ClinVar:

ClinVar aggregate classification (germline): Likely benign. Review status: criteria provided, single submitter (1 of 4 stars). 2 submissions from 2 submitters: Likely benign (1). 1 of the submissions does not count toward it. Last evaluated 2022-10-13.

Conditions:
SLCO5A1-related disorder. Also called: SLCO5A1-related condition.

Allele frequency attached by ClinVar (database versions not stated): gnomAD exomes 0.00008 and 0.00021; gnomAD 0.00009 and 0.00013; TOPMed 0.00017; ExAC 0.00019; 1000 Genomes Project 30x 0.00062; 1000 Genomes Project 0.00080.
gnomAD v4.1: 138 of 1,614,124 alleles (0.0085%); highest among the groups gnomAD compares: East Asian, 0.21%; 1 homozygote.

Submissions (2):

Labcorp Genetics (formerly Invitae), Labcorp
Classification: Likely benign. Last evaluated: 2022-10-13. Review status: criteria provided, single submitter. Criteria: Invitae Variant Classification Sherloc (09022015). Collection method: clinical testing. Allele origin: germline.

PreventionGenetics, part of Exact Sciences
Classification: Likely benign for SLCO5A1-related condition. Last evaluated: 2022-09-20. Review status: no assertion criteria provided. Collection method: clinical testing. Allele origin: germline. Not counted in ClinVar's aggregate classification.
Comment: This variant is classified as likely benign based on ACMG/AMP sequence variant interpretation guidelines (Richards et al. 2015 PMID: 25741868, with internal and published modifications).

NM_030958.3(SLCO5A1):c.2251A>G (p.Ile751Val)

Gene: SLCO5A1 (solute carrier organic anion transporter family member 5A1; minus strand). Cytogenetic location: 8q13.3.
Variant type: single nucleotide variant.
Coding change: c.2251A>G on transcript NM_030958.3 (MANE Select); coding-DNA position 2251, A replaced by G.
Protein change: p.Ile751Val; replaces isoleucine 751 with valine.
Molecular consequence: missense variant. On other transcripts: 3 prime UTR variant (1).
Genome position (GRCh38, 1-based): chr8:69,673,165, T>C on the plus strand (A>G on the coding strand, the complement: SLCO5A1 is on the minus strand). VCF-style: chr8-69673165-T-C. GRCh37 (hg19) VCF-style: chr8-70585400-T-C.
Other names: c.2251A>G (NM_030958.2); c.*122A>G (NM_001146008.2); c.2086A>G, p.Ile696Val (NM_001146009.1); short protein forms I696V, I751V.
Identifiers: ClinVar variation 1578420 (VCV001578420.10), dbSNP rs192452408, ClinGen allele CA4776378.